The following is an entry in ClinVar:

NM_005585.5(SMAD6):c.837C>G (p.Tyr279Ter)

Gene: SMAD6 (SMAD family member 6; plus strand). Cytogenetic location: 15q22.31.
Variant type: single nucleotide variant.
Coding change: c.837C>G on transcript NM_005585.5 (MANE Select); coding-DNA position 837, C replaced by G.
Protein change: p.Tyr279Ter; replaces tyrosine 279 with a stop codon.
Molecular consequence: nonsense. On other transcripts: non-coding transcript variant (1).
Genome position (GRCh38, 1-based): chr15:66,711,687, C>G. VCF-style: chr15-66711687-C-G. GRCh37 (hg19) VCF-style: chr15-67004025-C-G.
Other names: short protein forms Y279*.
Identifiers: ClinVar variation 690421 (VCV000690421.4), dbSNP rs1595763070, ClinGen allele CA392951067.

ClinVar aggregate classification (germline): Pathogenic/Likely pathogenic. Review status: criteria provided, multiple submitters, no conflicts (2 of 4 stars). 3 submissions from 3 submitters: Pathogenic (1); Likely pathogenic (1). 1 of the submissions does not count toward it. Last evaluated 2025-10-13.

Conditions:
Radioulnar synostosis. Also called: Congenital radioulnar synostosis. Identifiers: Orphanet 3269, MedGen C0158761, MONDO:0017985, HP:0002974.

gnomAD v4.1: 2 of 1,614,008 alleles (0.00012%); highest among the groups gnomAD compares: Non-Finnish European, 0.000085%; no homozygotes.

Submissions (3):

Dasa
Classification: Pathogenic. Last evaluated: 2025-10-13. Review status: criteria provided, single submitter. Criteria: DASA Assertion Criteria. Collection method: clinical testing. Allele origin: germline.
Comment: NM_005585.5(SMAD6):c.837C>G (p.Tyr279*) introduces a premature termination codon predicted to result in loss of normal protein function. Loss-of-function is an established mechanism of disease for this gene. This variant has been reported in individuals with related phenotype (PMID: 31138930). The variant is present at low frequency in population datasets. Based on the available data, this variant is classified as pathogenic.

GeneDx
Classification: Likely pathogenic. Last evaluated: 2023-12-16. Review status: criteria provided, single submitter. Criteria: GeneDx Variant Classification Process June 2021. Collection method: clinical testing. Allele origin: germline. Affected: yes.
Comment: Nonsense variant predicted to result in protein truncation or nonsense mediated decay in a gene for which loss of function is a known mechanism of disease; Not observed at significant frequency in large population cohorts (gnomAD); This variant is associated with the following publications: (PMID: 32499606, 31138930)

The Laboratory of Genetics and Metabolism, Hunan Children’s Hospital
Classification: Uncertain significance for radioulnar synostosis. Last evaluated: 2019-05-14. Review status: no assertion criteria provided. Collection method: case-control. Allele origin: maternal. Affected: yes. Not counted in ClinVar's aggregate classification.
Comment: PVS1, PM2, BS4

Literature cited by the submitters: PubMed 31138930 (cited by Dasa).